The following is an entry in ClinVar:

ClinVar aggregate classification (germline): Likely benign. Review status: criteria provided, multiple submitters, no conflicts (2 of 4 stars). 2 submissions from 2 submitters: Likely benign (2). Last evaluated 2018-06-19.

Allele frequency attached by ClinVar (database versions not stated): 1000 Genomes Project 0.00339; 1000 Genomes Project 30x 0.00344; TOPMed 0.00631; gnomAD 0.00699 and 0.00741; gnomAD exomes 0.00925.
gnomAD v4.1: 12,976 of 1,447,654 alleles (0.9%); highest among the groups gnomAD compares: Non-Finnish European, 1.1%; 74 homozygotes.

Submissions (2):

GeneDx
Classification: Likely benign. Last evaluated: 2018-06-19. Review status: criteria provided, single submitter. Criteria: GeneDx Variant Classification (06012015). Collection method: clinical testing. Allele origin: germline. Affected: yes.
Comment: This variant is considered likely benign or benign based on one or more of the following criteria: it is a conservative change, it occurs at a poorly conserved position in the protein, it is predicted to be benign by multiple in silico algorithms, and/or has population frequency not consistent with disease.

Breakthrough Genomics
Classification: Likely benign. Review status: criteria provided, single submitter. Criteria: ACMG Guidelines, 2015. Collection method: not provided. Allele origin: germline. Inheritance: Autosomal dominant inheritance. Affected: yes.

NM_005159.5(ACTC1):c.990+64C>T

Genes: ACTC1 (actin alpha cardiac muscle 1; minus strand), GJD2-DT (GJD2 divergent transcript; plus strand). Cytogenetic location: 15q14.
Variant type: single nucleotide variant.
Coding change: c.990+64C>T on transcript NM_005159.5 (MANE Select); 64 bases into the intron after coding-DNA position 990, C replaced by T.
Molecular consequence: intron variant.
Genome position (GRCh38, 1-based): chr15:34,791,050, G>A on the plus strand (C>T on the coding strand, the complement: ACTC1 is on the minus strand). VCF-style: chr15-34791050-G-A. GRCh37 (hg19) VCF-style: chr15-35083251-G-A.
Identifiers: ClinVar variation 671232 (VCV000671232.2), dbSNP rs2307494, ClinGen allele CA268660674.